The following is an entry in ClinVar:

ClinVar aggregate classification (germline): Uncertain significance. Review status: criteria provided, multiple submitters, no conflicts (2 of 4 stars). 2 submissions from 2 submitters: Uncertain significance (2). Last evaluated 2025-11-05.

Conditions:
DICER1-related tumor predisposition. Also called: DICER1-related pleuropulmonary blastoma cancer predisposition syndrome; DICER1 syndrome. Identifiers: Orphanet 284343, MedGen C3839822, MONDO:0100216.
Hereditary cancer-predisposing syndrome. Also called: Tumor predisposition; Hereditary Cancer Syndrome; Neoplastic Syndromes, Hereditary; Hereditary neoplastic syndrome. Identifiers: Orphanet 140162, MedGen C0027672, MeSH D009386, MONDO:0015356.

Allele frequency attached by ClinVar (database versions not stated): gnomAD exomes below 0.00001.

Submissions (2):

Ambry Genetics
Classification: Uncertain significance for Hereditary cancer-predisposing syndrome. Last evaluated: 2025-11-05. Review status: criteria provided, single submitter. Criteria: Ambry Variant Classification Scheme 2023. Collection method: clinical testing. Allele origin: germline.
Comment: The p.P19S variant (also known as c.55C>T), located in coding exon 1 of the DICER1 gene, results from a C to T substitution at nucleotide position 55. The proline at codon 19 is replaced by serine, an amino acid with similar properties. This amino acid position is highly conserved in available vertebrate species. In addition, the in silico prediction for this alteration is inconclusive. Since supporting evidence is limited at this time, the clinical significance of this alteration remains unclear.

Labcorp Genetics (formerly Invitae), Labcorp
Classification: Uncertain significance for DICER1-related tumor predisposition. Last evaluated: 2021-05-13. Review status: criteria provided, single submitter. Criteria: Invitae Variant Classification Sherloc (09022015). Collection method: clinical testing. Allele origin: germline.
Comment: In summary, the available evidence is currently insufficient to determine the role of this variant in disease. Therefore, it has been classified as a Variant of Uncertain Significance. Algorithms developed to predict the effect of missense changes on protein structure and function are either unavailable or do not agree on the potential impact of this missense change (SIFT: "Deleterious"; PolyPhen-2: "Probably Damaging"; Align-GVGD: "Class C0"). This variant has not been reported in the literature in individuals with DICER1-related conditions. This variant is not present in population databases (ExAC no frequency). This sequence change replaces proline with serine at codon 19 of the DICER1 protein (p.Pro19Ser). The proline residue is highly conserved and there is a moderate physicochemical difference between proline and serine.

NM_177438.3(DICER1):c.55C>T (p.Pro19Ser)

Gene: DICER1 (dicer 1, ribonuclease III; minus strand). Cytogenetic location: 14q32.13.
Variant type: single nucleotide variant.
Coding change: c.55C>T on transcript NM_177438.3 (MANE Select); coding-DNA position 55, C replaced by T.
Protein change: p.Pro19Ser; replaces proline 19 with serine.
Molecular consequence: missense variant.
Genome position (GRCh38, 1-based): chr14:95,133,404, G>A on the plus strand (C>T on the coding strand, the complement: DICER1 is on the minus strand). VCF-style: chr14-95133404-G-A. GRCh37 (hg19) VCF-style: chr14-95599741-G-A.
Other names: c.55C>T, p.Pro19Ser (NM_001195573.1, NM_001271282.3, NM_001291628.2 and 1 more transcripts); short protein forms P19S.
Identifiers: ClinVar variation 1014726 (VCV001014726.13), dbSNP rs1060503638, ClinGen allele CA390890660.